The following is an entry in ClinVar:

NM_003872.3(NRP2):c.2317G>A (p.Glu773Lys)

Gene: NRP2 (neuropilin 2; plus strand). Cytogenetic location: 2q33.3.
Variant type: single nucleotide variant.
Coding change: c.2317G>A on transcript NM_003872.3 (MANE Select); coding-DNA position 2317, G replaced by A.
Protein change: p.Glu773Lys; replaces glutamic acid 773 with lysine.
Molecular consequence: missense variant.
Genome position (GRCh38, 1-based): chr2:205,765,483, G>A. VCF-style: chr2-205765483-G-A. GRCh37 (hg19) VCF-style: chr2-206630207-G-A.
Other names: c.2317G>A, p.Glu773Lys (NM_018534.4, NM_201266.2, NM_201267.2 and 1 more transcripts); short protein forms E773K.
Identifiers: ClinVar variation 3350272 (VCV003350272.3).

ClinVar aggregate classification (germline): Uncertain significance. Review status: criteria provided, multiple submitters, no conflicts (2 of 4 stars). 2 submissions from 2 submitters: Uncertain significance (2). Last evaluated 2026-07-08.

Conditions:
NRP2-related disorder. Also called: NRP2-related condition.

gnomAD v4.1: 77 of 1,614,072 alleles (0.0048%); highest among the groups gnomAD compares: Non-Finnish European, 0.006%; no homozygotes.

Submissions (2):

PreventionGenetics, part of Exact Sciences
Classification: Uncertain significance for NRP2-related condition. Last evaluated: 2026-07-08. Review status: criteria provided, single submitter. Criteria: ACMG Guidelines, 2015. Collection method: clinical testing. Allele origin: germline.
Comment: The NRP2 c.2317G>A variant is predicted to result in the amino acid substitution p.Glu773Lys. To our knowledge, this variant has not been reported in the literature. This variant is reported in 0.0035% of alleles in individuals of European (Non-Finnish) descent in gnomAD. At this time, the clinical significance of this variant is uncertain due to the absence of conclusive functional and genetic evidence.

Ambry Genetics
Classification: Uncertain significance. Last evaluated: 2025-09-11. Review status: criteria provided, single submitter. Criteria: Ambry Variant Classification Scheme 2023. Collection method: clinical testing. Allele origin: germline.